The following is an entry in ClinVar:

NM_001040108.2(MLH3):c.2667A>G (p.Thr889=)

Gene: MLH3 (mutL homolog 3; minus strand). Cytogenetic location: 14q24.3.
Variant type: single nucleotide variant.
Coding change: c.2667A>G on transcript NM_001040108.2 (MANE Select); coding-DNA position 2667, A replaced by G.
Protein change: p.Thr889=; no amino-acid change (threonine 889 retained).
Molecular consequence: synonymous variant.
Genome position (GRCh38, 1-based): chr14:75,046,989, T>C on the plus strand (A>G on the coding strand, the complement: MLH3 is on the minus strand). VCF-style: chr14-75046989-T-C. GRCh37 (hg19) VCF-style: chr14-75513692-T-C.
Other names: c.2667A>G, p.Thr889= (NM_014381.3).
Identifiers: ClinVar variation 1794502 (VCV001794502.3), dbSNP rs1328429818, ClinGen allele CA487273215.

ClinVar aggregate classification (germline): Benign/Likely benign. Review status: criteria provided, multiple submitters, no conflicts (2 of 4 stars). 2 submissions from 2 submitters: Benign (1); Likely benign (1). Last evaluated 2026-05-05.

Conditions:
Colorectal cancer, hereditary nonpolyposis, type 7. Identifiers: Orphanet 144, MedGen C1858380, MONDO:0013725, OMIM 614385.

Allele frequency attached by ClinVar (database versions not stated): gnomAD 0.00001; TOPMed 0.00001; gnomAD exomes below 0.00001.
gnomAD v4.1: 2 of 1,614,058 alleles (0.00012%); highest among the groups gnomAD compares: African/African-American, 0.0013%; no homozygotes.

Submissions (2):

Myriad Genetics, Inc.
Classification: Benign for Colorectal cancer, hereditary nonpolyposis, type 7. Last evaluated: 2026-05-05. Review status: criteria provided, single submitter. Criteria: Myriad Autosomal Dominant, Autosomal Recessive and X-Linked Classification Criteria (2023). Collection method: clinical testing. Allele origin: unknown.
Comment: This variant is considered benign. This variant is a silent/synonymous amino acid change and it is not expected to impact splicing.

Ambry Genetics
Classification: Likely benign. Last evaluated: 2020-02-04. Review status: criteria provided, single submitter. Criteria: Ambry Variant Classification Scheme 2023. Collection method: clinical testing. Allele origin: germline.